The following is an entry in ClinVar:

ClinVar aggregate classification (germline): Uncertain significance (1 of 4 stars; one submission).

Conditions:
Syndromic multisystem autoimmune disease due to ITCH deficiency. Also called: AUTOIMMUNE DISEASE, MULTISYSTEM, WITH FACIAL DYSMORPHISM. Identifiers: Orphanet 228426, MedGen C3150649, MONDO:0013245, OMIM 613385.

Allele frequency attached by ClinVar (database versions not stated): gnomAD exomes below 0.00001.
gnomAD v4.1: 1 of 1,613,878 alleles (0.000062%); highest among the groups gnomAD compares: Non-Finnish European, 0.000085%; no homozygotes.

Submission:

Labcorp Genetics (formerly Invitae), Labcorp
Classification: Uncertain significance for Syndromic multisystem autoimmune disease due to ITCH deficiency. Last evaluated: 2020-10-05. Review status: criteria provided, single submitter. Criteria: Invitae Variant Classification Sherloc (09022015). Collection method: clinical testing. Allele origin: germline.
Comment: In summary, the available evidence is currently insufficient to determine the role of this variant in disease. Therefore, it has been classified as a Variant of Uncertain Significance. Algorithms developed to predict the effect of missense changes on protein structure and function are either unavailable or do not agree on the potential impact of this missense change (SIFT: "Not Available"; PolyPhen-2: "Probably Damaging"; Align-GVGD: "Not Available"). This variant has not been reported in the literature in individuals with ITCH-related conditions. This variant is not present in population databases (ExAC no frequency). This sequence change replaces threonine with serine at codon 462 of the ITCH protein (p.Thr462Ser). The threonine residue is moderately conserved and there is a small physicochemical difference between threonine and serine.

NM_031483.7(ITCH):c.1385C>G (p.Thr462Ser)

Gene: ITCH (itchy E3 ubiquitin protein ligase; plus strand). Cytogenetic location: 20q11.22.
Variant type: single nucleotide variant.
Coding change: c.1385C>G on transcript NM_031483.7 (MANE Select); coding-DNA position 1385, C replaced by G.
Protein change: p.Thr462Ser; replaces threonine 462 with serine.
Molecular consequence: missense variant.
Genome position (GRCh38, 1-based): chr20:34,462,182, C>G. VCF-style: chr20-34462182-C-G. GRCh37 (hg19) VCF-style: chr20-33049987-C-G.
Other names: c.1508C>G, p.Thr503Ser (NM_001257137.3, NM_001324197.2); c.1055C>G, p.Thr352Ser (NM_001257138.3); c.1385C>G, p.Thr462Ser (NM_001324198.2); short protein forms T352S, T462S, T503S.
Identifiers: ClinVar variation 1058596 (VCV001058596.7), dbSNP rs2146375594, ClinGen allele CA408666521.
Genomic context (GRCh38, chr20:34,462,182, plus strand): 5'-GTTGGGAAATGAGATTCACAGTGGATGGAATTCCATATTTTGTGGACCACAATAGAAGAA[C>G]TACCACCTATATAGATCCCCGCACAGGAAAATCTGCCCTGTAAGTTTTCTAAACATTGTA-3'
Protein context (NP_113671.3, residues 452-472): IPYFVDHNRR[Thr462Ser]TTYIDPRTGK